The following is an entry in ClinVar:

ClinVar aggregate classification (germline): Pathogenic (1 of 4 stars; one submission).

Conditions:
Congenital myasthenic syndrome 4A. Also called: CONGENITAL MYASTHENIC SYNDROME TYPE Ia1; Myasthenic syndrome, congenital, 4a, slow-channel; MYASTHENIC SYNDROME, CONGENITAL, 4A, SLOW-CHANNEL, AUTOSOMAL RECESSIVE. Identifiers: Orphanet 590, MedGen C4225413, MONDO:0011600, OMIM 605809.

Submission:

Labcorp Genetics (formerly Invitae), Labcorp
Classification: Pathogenic for Congenital myasthenic syndrome 4A. Last evaluated: 2022-08-08. Review status: criteria provided, single submitter. Criteria: Invitae Variant Classification Sherloc (09022015). Collection method: clinical testing. Allele origin: germline.
Comment: This variant has not been reported in the literature in individuals affected with CHRNE-related conditions. This variant is not present in population databases (gnomAD no frequency). This sequence change creates a premature translational stop signal (p.Leu6Serfs*32) in the CHRNE gene. It is expected to result in an absent or disrupted protein product. Loss-of-function variants in CHRNE are known to be pathogenic (PMID: 22678886). For these reasons, this variant has been classified as Pathogenic.

Literature cited by the submitters: PubMed 22678886.

NM_000080.4(CHRNE):c.11_14dup (p.Leu6fs)

Genes: C17orf107 (chromosome 17 open reading frame 107; plus strand), CHRNE (cholinergic receptor nicotinic epsilon subunit; minus strand). Cytogenetic location: 17p13.2.
Variant type: Duplication.
Coding change: c.11_14dup on transcript NM_000080.4 (MANE Select); coding-DNA positions 11 to 14, 4 bases duplicated (CTCC; older notation c.11_14dupCTCC).
Protein change: p.Leu6fs; shifts the reading frame from leucine 6.
Molecular consequence: frameshift variant.
Genome position (GRCh38, 1-based): chr17:4,903,050-4,903,053, GGAG duplicated on the plus strand (CTCC on the coding strand, the reverse complement: CHRNE is on the minus strand). VCF-style (leftmost placement, unchanged base first): chr17-4903049-C-CGGAG. GRCh37 (hg19) VCF-style: chr17-4806344-C-CGGAG.
Other names: short protein forms L6fs.
Identifiers: ClinVar variation 2022812 (VCV002022812.4), dbSNP rs2507565283, ClinGen allele CA2580093589.